The following is an entry in ClinVar:

ClinVar aggregate classification (germline): Uncertain significance (1 of 4 stars; one submission).

Conditions:
Primary ciliary dyskinesia 7. Also called: CILIARY DYSKINESIA, PRIMARY, 7, WITH OR WITHOUT SITUS INVERSUS. Identifiers: Orphanet 244, MedGen C2678473, MONDO:0012748, OMIM 611884.

gnomAD v4.1: 1 of 1,613,318 alleles (0.000062%); highest among the groups gnomAD compares: Non-Finnish European, 0.000085%; no homozygotes.

Submission:

Broad Center for Mendelian Genomics, Broad Institute of MIT and Harvard
Classification: Uncertain significance for Primary ciliary dyskinesia 7. Last evaluated: 2025-02-14. Review status: criteria provided, single submitter. Criteria: ACMG Guidelines, 2015. Collection method: curation. Allele origin: germline. Inheritance: Autosomal recessive inheritance.
Comment: The p.Gln1881His variant in DNAH11 has been reported in 1 individual with primary ciliary dyskinesia (PMID: 22184204), and has been identified in 0.00008% (1/1179664) of European (non-Finnish) chromosomes by the Genome Aggregation Database (gnomAD; dbSNP ID: rs1477174216). Although this variant has been seen in the general population in a heterozygous state, its frequency is low enough to be consistent with a recessive carrier frequency. Computational prediction tools and conservation analyses do not provide strong support for or against an impact to the protein. In summary, the clinical significance of the p.Gln1881His variant is uncertain. ACMG/AMP Criteria applied: PM2_supporting (Richards 2015).

NM_001277115.2(DNAH11):c.5643A>T (p.Gln1881His)

Gene: DNAH11 (dynein axonemal heavy chain 11; plus strand). Cytogenetic location: 7p15.3.
Variant type: single nucleotide variant.
Coding change: c.5643A>T on transcript NM_001277115.2 (MANE Select); coding-DNA position 5643, A replaced by T.
Protein change: p.Gln1881His; replaces glutamine 1881 with histidine.
Molecular consequence: missense variant.
Genome position (GRCh38, 1-based): chr7:21,687,120, A>T. VCF-style: chr7-21687120-A-T. GRCh37 (hg19) VCF-style: chr7-21726738-A-T.
Other names: NM_001277115.2:c.5643A>T; short protein forms Q1881H.
Identifiers: ClinVar variation 3776927 (VCV003776927.1).